The following is an entry in ClinVar:

ClinVar aggregate classification (germline): Pathogenic. Review status: criteria provided, multiple submitters, no conflicts (2 of 4 stars). 3 submissions from 3 submitters: Pathogenic (3). Last evaluated 2024-02-13.

Conditions:
MMAA-related disorder. Also called: MMAA-related condition.
Methylmalonic aciduria, cblA type (MACA). Also called: Methylmalonic aciduria, vitamin B12-responsive; Vitamin B12-responsive methylmalonic acidemia type cblA; Methylmalonic aciduria, vitamin b12-responsive, due to defect in synthesis of adenosylcobalamin, cbla complementation type; MMA cbl A type; Methylmalonic acidemia cblA type. Identifiers: Orphanet 28, Orphanet 79310, MedGen C1855109, MONDO:0009613, OMIM 251100.

Submissions (3):

Blueprint Genetics
Classification: Pathogenic for MMAA-related disorders. Last evaluated: 2024-02-13. Review status: criteria provided, single submitter. Criteria: ACMG Guidelines, 2015. Collection method: clinical testing. Allele origin: germline. Affected: yes. Observed: 1 variant allele.

GeneDx
Classification: Pathogenic. Last evaluated: 2024-01-02. Review status: criteria provided, single submitter. Criteria: GeneDx Variant Classification Process June 2021. Collection method: clinical testing. Allele origin: germline. Affected: yes.
Comment: Frameshift variant predicted to result in protein truncation or nonsense mediated decay in a gene for which loss of function is a known mechanism of disease; Not observed at significant frequency in large population cohorts (gnomAD); This variant is associated with the following publications: (PMID: 34426522, 37420116, 28497574, 35769956, 35618652)

University Children's Hospital, University of Zurich
Classification: Pathogenic for Methylmalonic aciduria, cblA type. Review status: criteria provided, single submitter. Criteria: ZB-IEM Variant Assertion Criteria. Collection method: clinical testing. Allele origin: germline. Affected: yes. Observed: 3 variant alleles.

NM_172250.3(MMAA):c.455del (p.Pro152fs)

Gene: MMAA (metabolism of cobalamin associated A; plus strand). Cytogenetic location: 4q31.21.
Variant type: Deletion.
Coding change: c.455del on transcript NM_172250.3 (MANE Select); coding-DNA position 455, one base deleted (C; older notation c.455delC).
Protein change: p.Pro152fs; shifts the reading frame from proline 152.
Molecular consequence: frameshift variant.
Genome position (GRCh38, 1-based): chr4:145,642,378, C deleted; the last of 5 consecutive C bases (chr4:145,642,374-145,642,378); deleting any one gives the same sequence. VCF-style (leftmost placement, unchanged base first): chr4-145642373-GC-G. GRCh37 (hg19) VCF-style: chr4-146563525-GC-G.
Other names: c.455delC (NM_172250.2); c.455del (NM_172250.2); short protein forms P152fs.
Identifiers: ClinVar variation 440801 (VCV000440801.5), dbSNP rs1553958127, ClinGen allele CA441476414.